The following is an entry in ClinVar:

NM_021098.3(CACNA1H):c.1171C>T (p.His391Tyr)

Gene: CACNA1H (calcium voltage-gated channel subunit alpha1 H; plus strand). Cytogenetic location: 16p13.3.
Variant type: single nucleotide variant.
Coding change: c.1171C>T on transcript NM_021098.3 (MANE Select); coding-DNA position 1171, C replaced by T.
Protein change: p.His391Tyr; replaces histidine 391 with tyrosine.
Molecular consequence: missense variant.
Genome position (GRCh38, 1-based): chr16:1,200,767, C>T. VCF-style: chr16-1200767-C-T. GRCh37 (hg19) VCF-style: chr16-1250767-C-T.
Other names: c.1171C>T, p.His391Tyr (NM_001005407.2); short protein forms H391Y.
Identifiers: ClinVar variation 1320362 (VCV001320362.3), dbSNP rs1401713017, ClinGen allele CA394158375.

ClinVar aggregate classification (germline): Conflicting classifications of pathogenicity. Review status: criteria provided, conflicting classifications (1 of 4 stars). 2 submissions from 2 submitters: Uncertain significance (1); Likely benign (1). Last evaluated 2025-09-16.

Conditions:
Idiopathic generalized epilepsy. Also called: EIG; Generalised epilepsy. Identifiers: MedGen C0270850, MONDO:0005579, OMIM 600669.
Hyperaldosteronism, familial, type IV (HALD4). Also called: FH IV; ALDOSTERONISM, PRIMARY, AND HYPERTENSION. Identifiers: Orphanet 642671, MedGen C4310756, MONDO:0014875, OMIM 617027.

Allele frequency attached by ClinVar (database versions not stated): gnomAD 0.00001; TOPMed below 0.00001; gnomAD exomes 0.00001.
gnomAD v4.1: 3 of 1,555,602 alleles (0.00019%); highest among the groups gnomAD compares: South Asian, 0.0012%; no homozygotes.

Submissions (2):

Labcorp Genetics (formerly Invitae), Labcorp
Classification: Likely benign for Idiopathic generalized epilepsy; Hyperaldosteronism, familial, type IV. Last evaluated: 2025-09-16. Review status: criteria provided, single submitter. Criteria: Invitae Variant Classification Sherloc (09022015). Collection method: clinical testing. Allele origin: germline.

GeneDx
Classification: Uncertain significance. Last evaluated: 2019-07-09. Review status: criteria provided, single submitter. Criteria: GeneDx Variant Classification Process June 2021. Collection method: clinical testing. Allele origin: germline. Affected: yes.
Comment: Not observed at a significant frequency in large population cohorts (Lek et al., 2016); In silico analysis, which includes protein predictors and evolutionary conservation, supports a deleterious effect; Has not been previously published as pathogenic or benign to our knowledge